The following is an entry in ClinVar:

NM_005732.4(RAD50):c.984A>C (p.Glu328Asp)

Gene: RAD50 (RAD50 double strand break repair protein; plus strand). Cytogenetic location: 5q31.1.
Variant type: single nucleotide variant.
Coding change: c.984A>C on transcript NM_005732.4 (MANE Select); coding-DNA position 984, A replaced by C.
Protein change: p.Glu328Asp; replaces glutamic acid 328 with aspartic acid.
Molecular consequence: missense variant.
Genome position (GRCh38, 1-based): chr5:132,588,022, A>C. VCF-style: chr5-132588022-A-C. GRCh37 (hg19) VCF-style: chr5-131923714-A-C.
Other names: c.984A>C (NM_005732.3); short protein forms E328D.
Identifiers: ClinVar variation 1524163 (VCV001524163.9), dbSNP rs876660690, ClinGen allele CA360941278.

ClinVar aggregate classification (germline): Uncertain significance. Review status: criteria provided, multiple submitters, no conflicts (2 of 4 stars). 2 submissions from 2 submitters: Uncertain significance (2). Last evaluated 2024-05-31.

Conditions:
Hereditary cancer-predisposing syndrome. Also called: Hereditary neoplastic syndrome; Hereditary Cancer Syndrome; Tumor predisposition; Neoplastic Syndromes, Hereditary. Identifiers: Orphanet 140162, MedGen C0027672, MeSH D009386, MONDO:0015356.

Submissions (2):

Ambry Genetics
Classification: Uncertain significance for Hereditary cancer-predisposing syndrome. Last evaluated: 2024-05-31. Review status: criteria provided, single submitter. Criteria: Ambry Variant Classification Scheme 2023. Collection method: clinical testing. Allele origin: germline.
Comment: The p.E328D variant (also known as c.984A>C), located in coding exon 7 of the RAD50 gene, results from an A to C substitution at nucleotide position 984. The glutamic acid at codon 328 is replaced by aspartic acid, an amino acid with highly similar properties. This amino acid position is conserved. In addition, this alteration is predicted to be tolerated by in silico analysis. Based on the available evidence, the clinical significance of this variant remains unclear.

Labcorp Genetics (formerly Invitae), Labcorp
Classification: Uncertain significance for Hereditary cancer-predisposing syndrome. Last evaluated: 2023-12-30. Review status: criteria provided, single submitter. Criteria: Invitae Variant Classification Sherloc (09022015). Collection method: clinical testing. Allele origin: germline.
Comment: This sequence change replaces glutamic acid, which is acidic and polar, with aspartic acid, which is acidic and polar, at codon 328 of the RAD50 protein (p.Glu328Asp). This variant is not present in population databases (gnomAD no frequency). This variant has not been reported in the literature in individuals affected with RAD50-related conditions. ClinVar contains an entry for this variant (Variation ID: 1524163). Advanced modeling of protein sequence and biophysical properties (such as structural, functional, and spatial information, amino acid conservation, physicochemical variation, residue mobility, and thermodynamic stability) performed at Invitae indicates that this missense variant is not expected to disrupt RAD50 protein function with a negative predictive value of 80%. In summary, the available evidence is currently insufficient to determine the role of this variant in disease. Therefore, it has been classified as a Variant of Uncertain Significance.